The following is an entry in ClinVar:

NM_012144.4(DNAI1):c.402_403insAT (p.Val135fs)

Gene: DNAI1 (dynein axonemal intermediate chain 1; plus strand). Cytogenetic location: 9p13.3.
Variant type: Insertion.
Coding change: c.402_403insAT on transcript NM_012144.4 (MANE Select); coding-DNA positions 402 to 403, AT inserted.
Protein change: p.Val135fs; shifts the reading frame from valine 135.
Molecular consequence: frameshift variant.
Genome position: GRCh38 VCF-style: chr9-34490024-C-CTA. GRCh37 (hg19) VCF-style: chr9-34490022-C-CTA.
Other names: c.414_415insAT, p.Val139fs (NM_001281428.2); short protein forms V135fs, V139fs.
Identifiers: ClinVar variation 2014988 (VCV002014988.4), dbSNP rs2492033394, ClinGen allele CA2580080378.
Genomic context (GRCh38, chr9:34,490,024, plus strand): 5'-TGGGAGAGCAGGCTTAGACTTTGAACTCATTGGCAGTATCCTACCAAGGTTCTCAGGAGT[C>CTA]TGTCAAGGTGATTTCAGAAACAGGAAACCTCGAAGAAGACGAAGAGCCCAAGGAGTTAGA-3'

ClinVar aggregate classification (germline): Pathogenic (1 of 4 stars; one submission).

Conditions:
Primary ciliary dyskinesia. Also called: Ciliary dyskinesia. Identifiers: Orphanet 244, MedGen C0008780, MONDO:0016575, HP:0012265.

Submission:

Labcorp Genetics (formerly Invitae), Labcorp
Classification: Pathogenic for Primary ciliary dyskinesia. Last evaluated: 2022-07-21. Review status: criteria provided, single submitter. Criteria: Invitae Variant Classification Sherloc (09022015). Collection method: clinical testing. Allele origin: germline.
Comment: For these reasons, this variant has been classified as Pathogenic. This variant has not been reported in the literature in individuals affected with DNAI1-related conditions. This variant is not present in population databases (gnomAD no frequency). This sequence change creates a premature translational stop signal (p.Val135Metfs*4) in the DNAI1 gene. It is expected to result in an absent or disrupted protein product. Loss-of-function variants in DNAI1 are known to be pathogenic (PMID: 16858015, 29363216).

Literature cited by the submitters: PubMed 16858015; PubMed 29363216.